The following is an entry in ClinVar:

ClinVar aggregate classification (germline): Uncertain significance (1 of 4 stars; one submission).

gnomAD v4.1: 3 of 1,596,794 alleles (0.00019%); highest among the groups gnomAD compares: South Asian, 0.0011%; no homozygotes.

Submission:

Labcorp Genetics (formerly Invitae), Labcorp
Classification: Uncertain significance. Last evaluated: 2021-03-10. Review status: criteria provided, single submitter. Criteria: Invitae Variant Classification Sherloc (09022015). Collection method: clinical testing. Allele origin: germline.
Comment: This sequence change replaces aspartic acid with glutamic acid at codon 199 of the CEP250 protein (p.Asp199Glu). The aspartic acid residue is moderately conserved and there is a small physicochemical difference between aspartic acid and glutamic acid. This variant is present in population databases (rs769497701, ExAC 0.002%). This variant has not been reported in the literature in individuals with CEP250-related conditions. Algorithms developed to predict the effect of missense changes on protein structure and function are either unavailable or do not agree on the potential impact of this missense change (SIFT: "Not Available"; PolyPhen-2: "Probably Damaging"; Align-GVGD: "Not Available"). In summary, the available evidence is currently insufficient to determine the role of this variant in disease. Therefore, it has been classified as a Variant of Uncertain Significance.

NM_007186.6(CEP250):c.597C>G (p.Asp199Glu)

Gene: CEP250 (centrosomal protein 250; plus strand). Cytogenetic location: 20q11.22.
Variant type: single nucleotide variant.
Coding change: c.597C>G on transcript NM_007186.6 (MANE Select); coding-DNA position 597, C replaced by G.
Protein change: p.Asp199Glu; replaces aspartic acid 199 with glutamic acid.
Molecular consequence: missense variant. On other transcripts: 5 prime UTR variant (1).
Genome position (GRCh38, 1-based): chr20:35,467,070, C>G. VCF-style: chr20-35467070-C-G. GRCh37 (hg19) VCF-style: chr20-34054895-C-G.
Other names: c.-1303C>G (NM_001318219.1); short protein forms D199E.
Identifiers: ClinVar variation 1377846 (VCV001377846.6), dbSNP rs769497701, ClinGen allele CA9832653.